The following is an entry in ClinVar:

NM_001365276.2(TNXB):c.9790C>T (p.Arg3264Cys)

Gene: TNXB (tenascin XB; minus strand). Cytogenetic location: 6p21.33.
Variant type: single nucleotide variant.
Coding change: c.9790C>T on transcript NM_001365276.2 (MANE Select); coding-DNA position 9790, C replaced by T.
Protein change: p.Arg3264Cys; replaces arginine 3264 with cysteine.
Molecular consequence: missense variant.
Genome position (GRCh38, 1-based): chr6:32,048,618, G>A on the plus strand (C>T on the coding strand, the complement: TNXB is on the minus strand). VCF-style: chr6-32048618-G-A. GRCh37 (hg19) VCF-style: chr6-32016395-G-A.
Other names: c.9784C>T, p.Arg3262Cys (NM_019105.8); short protein forms R3264C, R3262C.
Identifiers: ClinVar variation 1768183 (VCV001768183.24), dbSNP rs535345246, ClinGen allele CA3733391.

ClinVar aggregate classification (germline): Conflicting classifications of pathogenicity. Review status: criteria provided, conflicting classifications (1 of 4 stars). 4 submissions from 4 submitters: Uncertain significance (2); Likely benign (2). Last evaluated 2026-01-24.

Conditions:
Cardiovascular phenotype. Identifiers: MedGen CN230736.

Allele frequency attached by ClinVar (database versions not stated): TOPMed below 0.00001; gnomAD 0.00005; gnomAD exomes 0.00014; ExAC 0.00032; 1000 Genomes Project 30x 0.00047; 1000 Genomes Project 0.00060.
gnomAD v4.1: 202 of 1,522,280 alleles (0.013%); highest among the groups gnomAD compares: South Asian, 0.22%; 1 homozygote.

Submissions (4):

Labcorp Genetics (formerly Invitae), Labcorp
Classification: Likely benign. Last evaluated: 2026-01-24. Review status: criteria provided, single submitter. Criteria: Invitae Variant Classification Sherloc (09022015). Collection method: clinical testing. Allele origin: germline.

GeneDx
Classification: Uncertain significance. Last evaluated: 2025-06-15. Review status: criteria provided, single submitter. Criteria: GeneDx Variant Classification Process June 2021. Collection method: clinical testing. Allele origin: germline.
Comment: Reported with a second TNXB variant, phase unknown, in a proband with clinical features of classical-like Ehlers-Danlos syndrome (PMID: 37575646); In silico analysis supports that this missense variant has a deleterious effect on protein structure/function; This variant is associated with the following publications: (PMID: 37575646)

Ambry Genetics
Classification: Likely benign for Cardiovascular phenotype. Last evaluated: 2025-02-19. Review status: criteria provided, single submitter. Criteria: Ambry Variant Classification Scheme 2023. Collection method: clinical testing. Allele origin: germline.

CeGaT Center for Human Genetics Tuebingen
Classification: Uncertain significance. Last evaluated: 2024-06-01. Review status: criteria provided, single submitter. Criteria: CeGaT Center For Human Genetics Tuebingen Variant Classification Criteria Version 2. Collection method: clinical testing. Allele origin: germline. Affected: yes. Observed: 1 variant allele.
Comment: TNXB: PM2:Supporting, PM3:Supporting, BP4